The following is an entry in ClinVar:

ClinVar aggregate classification (germline): Pathogenic/Likely pathogenic. Review status: criteria provided, multiple submitters, no conflicts (2 of 4 stars). 9 submissions from 9 submitters: Pathogenic (5); Likely pathogenic (2). 2 of the submissions do not count toward it. Last evaluated 2025-12-09.

Conditions:
Autosomal recessive nonsyndromic hearing loss 4 (DFNB4). Also called: FOXI1-Related Pendred Syndrome; KCNJ10-Related Pendred Syndrome; Nonsyndromic enlarged vestibular aqueduct (NSEVA); Deafness, autosomal recessive 4, with enlarged vestibular aqueduct; NEUROSENSORY NONSYNDROMIC RECESSIVE DEAFNESS 4; Deafness, autosomal recessive 4. Identifiers: Orphanet 90636, MedGen C3538946, MONDO:0010933, OMIM 600791.
Pendred syndrome (PDS). Also called: Pendred Syndrome (PDS); Pendred's syndrome; THYROID DYSHORMONOGENESIS 2B; THYROID HORMONOGENESIS, GENETIC DEFECT IN, 2B; DEAFNESS WITH GOITER; GOITER-DEAFNESS SYNDROME. Identifiers: Orphanet 705, MedGen C0271829, MONDO:0010134, OMIM 274600.

Allele frequency attached by ClinVar (database versions not stated): gnomAD exomes 0.00001.
gnomAD v4.1: 7 of 1,380,806 alleles (0.00051%); highest among the groups gnomAD compares: Non-Finnish European, 0.00072%; no homozygotes.

Submissions (9):

Genetics Research Center, University of Social Welfare and Rehabilitation Sciences
Classification: Pathogenic for Autosomal recessive nonsyndromic hearing loss 4. Last evaluated: 2025-12-09. Review status: criteria provided, single submitter. Criteria: ACMG Guidelines, 2015. Collection method: research. Allele origin: germline. Affected: yes.
Comment: The variant is present at a very low frequency in the gnomAD v2.1.1 dataset (allele frequency: 0.0009%). Previous studies have reported its association with SLC26A4-related hearing loss (PMID: 34410491, 14679580, 21366435, 32747562). Experimental studies have shown that this missense change affects SLC26A4 function (PMID: 31599023).

Natera, Inc.
Classification: Likely pathogenic for Pendred syndrome. Last evaluated: 2025-08-25. Review status: criteria provided, single submitter. Criteria: Natera Variant Classification Schema (03/2026). Collection method: clinical testing. Allele origin: germline.
Comment: The c.2048T>C variant in SLC26A4 is a missense variant predicted to cause substitution of phenylalanine to serine at amino acid 683. This variant is rare in the general population with a frequency below the threshold expected for the associated phenotype(s). This variant has been observed in one or more individuals affected with the associated recessive disease, as either homozygous or compound heterozygous with a second variant (PMID: 32747562, 34410491, 30622556). This variant has been identified in one or more affected individual with a phenotype highly consistent with the associated gene (PMID:34410491). Computational prediction algorithms indicate this variant is likely to affect gene or protein function. Given the available evidence, this variant is classified as Likely Pathogenic.

Baylor Genetics
Classification: Likely pathogenic for Autosomal recessive nonsyndromic hearing loss 4. Last evaluated: 2024-03-27. Review status: criteria provided, single submitter. Criteria: ACMG Guidelines, 2015. Collection method: clinical testing. Allele origin: unknown.

Women's Health and Genetics/Laboratory Corporation of America, LabCorp
Classification: Pathogenic for Pendred syndrome. Last evaluated: 2022-12-12. Review status: criteria provided, single submitter. Criteria: LabCorp Variant Classification Summary - May 2015. Collection method: clinical testing. Allele origin: germline.
Comment: Variant summary: SLC26A4 c.2048T>C (p.Phe683Ser) results in a non-conservative amino acid change located in the STAS domain (IPR002645) of the encoded protein sequence. Five of five in-silico tools predict a damaging effect of the variant on protein function. The variant allele was found at a frequency of 8.9e-06 in 225902 control chromosomes. c.2048T>C has been reported in the literature as bialleic homozygous or compound heterozygous genotypes in multiple individuals affected with features of Pendred Syndrome (example, Morgan_2018, Smits_2022, Abu Rayyan_2020). These data indicate that the variant is very likely to be associated with disease. To our knowledge, no experimental evidence demonstrating an impact on protein function has been reported. Two clinical diagnostic laboratories have submitted clinical-significance assessments for this variant to ClinVar after 2014 without evidence for independent evaluation. All laboratories classified the variant as pathogenic. Based on the evidence outlined above, the variant was classified as pathogenic.

Labcorp Genetics (formerly Invitae), Labcorp
Classification: Pathogenic. Last evaluated: 2022-10-06. Review status: criteria provided, single submitter. Criteria: Invitae Variant Classification Sherloc (09022015). Collection method: clinical testing. Allele origin: germline.
Comment: ClinVar contains an entry for this variant (Variation ID: 402277). This sequence change replaces phenylalanine, which is neutral and non-polar, with serine, which is neutral and polar, at codon 683 of the SLC26A4 protein (p.Phe683Ser). This variant is present in population databases (no rsID available, gnomAD 0.002%). This missense change has been observed in individuals with hearing loss (PMID: 30622556, 32747562). Advanced modeling of protein sequence and biophysical properties (such as structural, functional, and spatial information, amino acid conservation, physicochemical variation, residue mobility, and thermodynamic stability) performed at Invitae indicates that this missense variant is expected to disrupt SLC26A4 protein function. Experimental studies have shown that this missense change affects SLC26A4 function (PMID: 31599023). For these reasons, this variant has been classified as Pathogenic.

Victorian Clinical Genetics Services, Murdoch Childrens Research Institute
Classification: Pathogenic for Pendred syndrome. Last evaluated: 2022-02-02. Review status: criteria provided, single submitter. Criteria: ACMG Guidelines, 2015. Collection method: clinical testing. Allele origin: germline. Inheritance: Autosomal recessive inheritance. Affected: yes.
Comment: Based on the classification scheme VCGS_Germline_v1.3.4, this variant is classified as Pathogenic. Following criteria are met: 0102 - Loss of function is a known mechanism of disease in this gene and is associated with deafness with enlarged vestibular aqueduct (MIM#600791) and Pendred syndrome (MIM#274600). (I) 0106 - This gene is associated with autosomal recessive disease. (I) 0115 - Variants in this gene are known to have variable expressivity (GeneReviews). (I) 0200 - Variant is predicted to result in a missense amino acid change from phenylalanine to serine. (I) 0251 - This variant is heterozygous. (I) 0304 - Variant is present in gnomAD <0.01 for a recessive condition (v2: 2 heterozygotes, 0 homozygotes). (SP) 0309 - An alternative amino acid change at the same position has been observed in gnomAD (v2: 1 heterozygote, 0 homozygotes). (I) 0501 - Missense variant consistently predicted to be damaging by multiple in silico tools or highly conserved with a major amino acid change. (SP) 0600 - Variant is located in the annotated STAS domain (DECIPHER, Uniprot). (I) 0705 - No comparable missense variants have previous evidence for pathogenicity. (I) 0803 - This variant has limited previous evidence of pathogenicity in unrelated individuals. It has been identified at least two individuals with deafness with enlarged vestibular aqueduct (MIM#600791) and hearing loss. It was noted that one of them had an unknown second allele (PMID: 21366435, 30622556). (SP) 0905 - No published segregation evidence has been identified for this variant. (I) 1002 - This variant has moderate functional evidence supporting abnormal protein function. In vitro assays demonstrated impaired ion transport and cellular mislocalisation (PMID: 31599023). (I) Legend: (SP) - Supporting pathogenic, (I) - Information, (SB) - Supporting benign

King Laboratory, University of Washington
Classification: Pathogenic for Autosomal recessive nonsyndromic hearing loss 4. Last evaluated: 2020-08-01. Review status: criteria provided, single submitter. Criteria: Abu Rayyan A et al. (Proc Natl Acad Sci U S A 2020). Collection method: research. Allele origin: germline. Affected: yes.
Comment: SLC26A4 c.2048T>C, p.F683S alters a residue completely conserved in all sequenced vertebrates. The vaariant was previously shown to be defective in ion transport (PMID: 31599023). The variant is homozygous in 6 children from 2 Palestinian families with pre-lingual moderate hearing loss (Abu Rayyan 2020). The variant is absent from 1300 Palestinian controls and present in 2/225902 alleles on gnomAD, both heterozygotes.

National Institute of Sensory Organs, National Hospital Organization Tokyo Medical Center
Classification: Affects for Autosomal recessive nonsyndromic hearing loss 4. Last evaluated: 2019-08-20. Review status: no assertion criteria provided. Collection method: literature only, in vitro. Allele origin: germline. Inheritance: Autosomal recessive inheritance. Affected: yes. Functional consequence: loss_of_function_variant. Not counted in ClinVar's aggregate classification.
Comment: in vitro experiment

Hereditary Research Laboratory, Bethlehem University
Classification: Pathogenic for Pendred syndrome. Last evaluated: 2016-06-04. Review status: no assertion criteria provided. Collection method: research. Allele origin: germline. Affected: yes. Not counted in ClinVar's aggregate classification.
Comment: congenital, moderate, Pendred signs?

Literature cited by the submitters: PubMed 34410491 (cited by 3 submitters); PubMed 31599023 (cited by 4 submitters); PubMed 14679580 (cited by Genetics Research Center, University of Social Welfare and Rehabilitation Sciences and National Institute of Sensory Organs, National Hospital Organization Tokyo Medical Center); PubMed 21366435 (cited by Genetics Research Center, University of Social Welfare and Rehabilitation Sciences and Victorian Clinical Genetics Services, Murdoch Childrens Research Institute); PubMed 32747562 (cited by 4 submitters); PubMed 30622556 (cited by 5 submitters).

NM_000441.2(SLC26A4):c.2048T>C (p.Phe683Ser)

Gene: SLC26A4 (solute carrier family 26 member 4; plus strand). Cytogenetic location: 7q22.3.
Variant type: single nucleotide variant.
Coding change: c.2048T>C on transcript NM_000441.2 (MANE Select); coding-DNA position 2048, T replaced by C.
Protein change: p.Phe683Ser; replaces phenylalanine 683 with serine.
Molecular consequence: missense variant.
Genome position (GRCh38, 1-based): chr7:107,704,344, T>C. VCF-style: chr7-107704344-T-C. GRCh37 (hg19) VCF-style: chr7-107344789-T-C.
Other names: short protein forms F683S.
Identifiers: ClinVar variation 402277 (VCV000402277.19), dbSNP rs1060499808, ClinGen allele CA16609565.